The following is an entry in ClinVar:

ClinVar aggregate classification (germline): Pathogenic (1 of 4 stars; one submission).

Submission:

Labcorp Genetics (formerly Invitae), Labcorp
Classification: Pathogenic. Last evaluated: 2023-05-16. Review status: criteria provided, single submitter. Criteria: Invitae Variant Classification Sherloc (09022015). Collection method: clinical testing. Allele origin: germline.
Comment: This sequence change creates a premature translational stop signal (p.Lys308*) in the CWC27 gene. It is expected to result in an absent or disrupted protein product. Loss-of-function variants in CWC27 are known to be pathogenic (PMID: 28285769). For these reasons, this variant has been classified as Pathogenic. This variant has not been reported in the literature in individuals affected with CWC27-related conditions. This variant is not present in population databases (gnomAD no frequency).

Literature cited by the submitters: PubMed 28285769.

NM_005869.4(CWC27):c.922A>T (p.Lys308Ter)

Gene: CWC27 (CWC27 spliceosome associated cyclophilin; plus strand). Cytogenetic location: 5q12.3.
Variant type: single nucleotide variant.
Coding change: c.922A>T on transcript NM_005869.4 (MANE Select); coding-DNA position 922, A replaced by T.
Protein change: p.Lys308Ter; replaces lysine 308 with a stop codon.
Molecular consequence: nonsense.
Genome position (GRCh38, 1-based): chr5:64,804,370, A>T. VCF-style: chr5-64804370-A-T. GRCh37 (hg19) VCF-style: chr5-64100197-A-T.
Other names: c.922A>T, p.Lys308Ter (NM_001297644.1, NM_001297645.2, NM_001318000.2 and 1 more transcripts); short protein forms K308*.
Identifiers: ClinVar variation 2864998 (VCV002864998.3), dbSNP rs2531297194, ClinGen allele CA359834185.